The following is an entry in ClinVar:

ClinVar aggregate classification (germline): Conflicting classifications of pathogenicity. Review status: criteria provided, conflicting classifications (1 of 4 stars). 5 submissions from 4 submitters: Uncertain significance (2); Likely benign (3). Last evaluated 2024-08-01.

Conditions:
Left ventricular noncompaction 10 (LVNC10). Identifiers: Orphanet 154, Orphanet 54260, MedGen C3715165, MONDO:0014163, OMIM 615396.
Hypertrophic cardiomyopathy 4. Also called: Familial hypertrophic cardiomyopathy 4. Identifiers: MedGen C1861862, MONDO:0007268, OMIM 115197.
Cardiovascular phenotype. Identifiers: MedGen CN230736.
Hypertrophic cardiomyopathy. Also called: HYPERTROPHIC MYOCARDIOPATHY. Identifiers: Orphanet 217569, MedGen C0007194, MeSH D002312, MONDO:0005045, HP:0001639.

Allele frequency attached by ClinVar (database versions not stated): gnomAD exomes below 0.00001; TOPMed below 0.00001; gnomAD 0.00001.
gnomAD v4.1: 6 of 1,612,334 alleles (0.00037%); highest among the groups gnomAD compares: Non-Finnish European, 0.00042%; no homozygotes.

Submissions (5):

Labcorp Genetics (formerly Invitae), Labcorp
Classification: Likely benign for Hypertrophic cardiomyopathy. Last evaluated: 2024-08-01. Review status: criteria provided, single submitter. Criteria: Invitae Variant Classification Sherloc (09022015). Collection method: clinical testing. Allele origin: germline.

All of Us Research Program, National Institutes of Health
Classification: Likely benign for Hypertrophic cardiomyopathy. Last evaluated: 2023-08-15. Review status: criteria provided, single submitter. Criteria: ACMG Guidelines, 2015. Collection method: clinical testing. Allele origin: germline. Inheritance: Autosomal dominant inheritance. Observed: 2 variant alleles, 2 heterozygotes.
Comment: This study involves interpretation of variants in research participants for the purpose of population health screening. Participant phenotype was not available at the time of variant classification. Additional details can be found in publication PMID: 35346344, PMCID: PMC8962531

Ambry Genetics
Classification: Likely benign for Cardiovascular phenotype. Last evaluated: 2023-01-15. Review status: criteria provided, single submitter. Criteria: Ambry Variant Classification Scheme 2023. Collection method: clinical testing. Allele origin: germline.

Illumina Laboratory Services, Illumina
Classification: Uncertain significance for Hypertrophic cardiomyopathy 4. Last evaluated: 2018-01-12. Review status: criteria provided, single submitter. Criteria: ICSL Variant Classification Criteria 13 December 2019. Collection method: clinical testing. Allele origin: germline.

Illumina Laboratory Services, Illumina
Classification: Uncertain significance for Left ventricular noncompaction 10. Last evaluated: 2018-01-12. Review status: criteria provided, single submitter. Criteria: ICSL Variant Classification Criteria 13 December 2019. Collection method: clinical testing. Allele origin: germline.

NM_000256.3(MYBPC3):c.1113G>A (p.Pro371=)

Gene: MYBPC3 (myosin binding protein C3; minus strand). Cytogenetic location: 11p11.2.
Variant type: single nucleotide variant.
Coding change: c.1113G>A on transcript NM_000256.3 (MANE Select); coding-DNA position 1113, G replaced by A.
Protein change: p.Pro371=; no amino-acid change (proline 371 retained).
Molecular consequence: synonymous variant.
Genome position (GRCh38, 1-based): chr11:47,343,602, C>T on the plus strand (G>A on the coding strand, the complement: MYBPC3 is on the minus strand). VCF-style: chr11-47343602-C-T. GRCh37 (hg19) VCF-style: chr11-47365153-C-T.
Other names: c.1113G>A, p.Pro371= (LRG_386t1).
Identifiers: ClinVar variation 304958 (VCV000304958.10), dbSNP rs886048380, ClinGen allele CA10638736.
Genomic context (GRCh38, chr11:47,343,602, plus strand): 5'-GTCATGGTCAGCCAGTTCCACGGTCAGCCGGATCTTGTGGCCTTTGCTCACCTGGTAGGC[C>T]GGCTCCAGCTTCTTCTGAAAGGCTGAGCACCACCCCTCAGCCCCGGCCACCCCACCGCCC-3'
Protein context (NP_000247.2, residues 361-381): KSTAFQKKLE[Pro371=]AYQVSKGHKI